The following is an entry in ClinVar:

ClinVar aggregate classification (germline): Uncertain significance. Review status: criteria provided, multiple submitters, no conflicts (2 of 4 stars). 2 submissions from 2 submitters: Uncertain significance (2). Last evaluated 2023-07-26.

Conditions:
Intellectual developmental disorder, X-linked 106. Also called: Intellectual disability, X-linked 106; Mental retardation, X-linked 106. Identifiers: MedGen C4478379, MONDO:0030907, OMIM 300997.

Submissions (2):

Baylor Genetics
Classification: Uncertain significance for Intellectual developmental disorder, X-linked 106. Last evaluated: 2023-07-26. Review status: criteria provided, single submitter. Criteria: ACMG Guidelines, 2015. Collection method: clinical testing. Allele origin: unknown.

GeneDx
Classification: Uncertain significance. Last evaluated: 2023-05-01. Review status: criteria provided, single submitter. Criteria: GeneDx Variant Classification Process June 2021. Collection method: clinical testing. Allele origin: germline. Affected: yes.
Comment: Not observed at significant frequency in large population cohorts (gnomAD); In silico analysis supports that this missense variant does not alter protein structure/function; Has not been previously published as pathogenic or benign to our knowledge

NM_181672.3(OGT):c.2429C>G (p.Thr810Ser)

Gene: OGT (O-linked N-acetylglucosamine (GlcNAc) transferase; plus strand). Cytogenetic location: Xq13.1.
Variant type: single nucleotide variant.
Coding change: c.2429C>G on transcript NM_181672.3 (MANE Select); coding-DNA position 2429, C replaced by G.
Protein change: p.Thr810Ser; replaces threonine 810 with serine.
Molecular consequence: missense variant.
Genome position (GRCh38, 1-based): chrX:71,563,492, C>G. VCF-style: chrX-71563492-C-G. GRCh37 (hg19) VCF-style: chrX-70783342-C-G.
Other names: c.2399C>G, p.Thr800Ser (NM_181673.3); short protein forms T800S, T810S.
Identifiers: ClinVar variation 2582560 (VCV002582560.2), dbSNP rs2522854753, ClinGen allele CA413565807.